The following is an entry in ClinVar:

NM_001267550.2(TTN):c.59971A>T (p.Lys19991Ter)

Genes: TTN (titin; minus strand), TTN-AS1 (TTN antisense RNA 1; plus strand), LOC126806424 (CDK7 strongly-dependent group 2 enhancer GRCh37_chr2:179456337-179457536; plus strand). Cytogenetic location: 2q31.2.
Variant type: single nucleotide variant.
Coding change: c.59971A>T on transcript NM_001267550.2 (MANE Select); coding-DNA position 59971, A replaced by T.
Protein change: p.Lys19991Ter; replaces lysine 19991 with a stop codon.
Molecular consequence: nonsense.
Genome position (GRCh38, 1-based): chr2:178,591,848, T>A on the plus strand (A>T on the coding strand, the complement: TTN is on the minus strand). VCF-style: chr2-178591848-T-A. GRCh37 (hg19) VCF-style: chr2-179456575-T-A.
Other names: c.55048A>T, p.Lys18350Ter (NM_001256850.1); c.32776A>T, p.Lys10926Ter (NM_003319.4); c.52267A>T, p.Lys17423Ter (NM_133378.4); c.33151A>T, p.Lys11051Ter (NM_133432.3); c.33352A>T, p.Lys11118Ter (NM_133437.4); short protein forms K10926*, K11051*, K11118*, K17423*, K18350*, K19991*.
Identifiers: ClinVar variation 4076469 (VCV004076469.1).
Genomic context (GRCh38, chr2:178,591,848, plus strand): 5'-CAGTGATTGGAGAACCACCATCACGATCCGGCTTATTCCAGACTAGGGAGACTTCAGTCT[T>A]GTCAACATCTACATGGTGCAGGTCCTTGGGTGGCCCTGGGGGATCTTTTCAAAGAAGAAG-3'

ClinVar aggregate classification (germline): Likely pathogenic (1 of 4 stars; one submission).

Conditions:
Cardiovascular phenotype. Identifiers: MedGen CN230736.

Submission:

Molecular Diagnostic Laboratory for Inherited Cardiovascular Disease, Montreal Heart Institute
Classification: Likely pathogenic for Cardiovascular phenotype. Last evaluated: 2025-07-03. Review status: criteria provided, single submitter. Criteria: ACMG Guidelines, 2015. Collection method: clinical testing. Allele origin: germline. Affected: yes.
Comment: PVS1, PM2